The following is an entry in ClinVar:

ClinVar aggregate classification (germline): Benign. Review status: criteria provided, single submitter (1 of 4 stars). 2 submissions from 2 submitters: Benign (1). 1 of the submissions does not count toward it. Last evaluated 2025-09-26.

Conditions:
TMEM240-related disorder. Also called: TMEM240-related condition.

Allele frequency attached by ClinVar (database versions not stated): 1000 Genomes Project 30x 0.00016; 1000 Genomes Project 0.00040.
gnomAD v4.1: 195 of 1,550,464 alleles (0.013%); highest among the groups gnomAD compares: Middle Eastern, 0.017%; no homozygotes.

Submissions (2):

Labcorp Genetics (formerly Invitae), Labcorp
Classification: Benign. Last evaluated: 2025-09-26. Review status: criteria provided, single submitter. Criteria: Invitae Variant Classification Sherloc (09022015). Collection method: clinical testing. Allele origin: germline.

PreventionGenetics, part of Exact Sciences
Classification: Likely benign for TMEM240-related condition. Last evaluated: 2020-09-25. Review status: no assertion criteria provided. Collection method: clinical testing. Allele origin: germline. Not counted in ClinVar's aggregate classification.
Comment: This variant is classified as likely benign based on ACMG/AMP sequence variant interpretation guidelines (Richards et al. 2015 PMID: 25741868, with internal and published modifications).

NM_001114748.2(TMEM240):c.240G>T (p.Thr80=)

Gene: TMEM240 (transmembrane protein 240; minus strand). Cytogenetic location: 1p36.33.
Variant type: single nucleotide variant.
Coding change: c.240G>T on transcript NM_001114748.2 (MANE Select); coding-DNA position 240, G replaced by T.
Protein change: p.Thr80=; no amino-acid change (threonine 80 retained).
Molecular consequence: synonymous variant.
Genome position (GRCh38, 1-based): chr1:1,535,722, C>A on the plus strand (G>T on the coding strand, the complement: TMEM240 is on the minus strand). VCF-style: chr1-1535722-C-A. GRCh37 (hg19) VCF-style: chr1-1471102-C-A.
Other names: c.240G>T (NM_001114748.1).
Identifiers: ClinVar variation 1898027 (VCV001898027.7), dbSNP rs371009717, ClinGen allele CA526690.
Genomic context (GRCh38, chr1:1,535,722, plus strand): 5'-GATGCAAAAGCCCAGCAGCAGCCCCAGCATGAGGTCGATCTCCTGCTTGGTCACACTGTC[C>A]GTCACAAAGTAGTTCTCGGAGGCGTCCACCACCGACTGGTCCCCGTCGTACGGGATCACG-3'
Protein context (NP_001108220.1, residues 70-90): VVDASENYFV[Thr80=]DSVTKQEIDL